The following is an entry in ClinVar:

NM_004329.3(BMPR1A):c.530+5G>C

Gene: BMPR1A (bone morphogenetic protein receptor type 1A; plus strand). Cytogenetic location: 10q23.2.
Variant type: single nucleotide variant.
Coding change: c.530+5G>C on transcript NM_004329.3 (MANE Select); 5 bases into the intron after coding-DNA position 530, G replaced by C.
Molecular consequence: intron variant.
Genome position (GRCh38, 1-based): chr10:86,900,131, G>C. VCF-style: chr10-86900131-G-C. GRCh37 (hg19) VCF-style: chr10-88659888-G-C.
Identifiers: ClinVar variation 1060751 (VCV001060751.7), dbSNP rs1554889026, ClinGen allele CA2499220425.

ClinVar aggregate classification (germline): Uncertain significance (1 of 4 stars; one submission).

Conditions:
Juvenile polyposis syndrome (JPS). Identifiers: Orphanet 2929, MedGen C0345893, MONDO:0017380, OMIM 174900.

Submission:

Labcorp Genetics (formerly Invitae), Labcorp
Classification: Uncertain significance for Juvenile polyposis syndrome. Last evaluated: 2020-10-24. Review status: criteria provided, single submitter. Criteria: Invitae Variant Classification Sherloc (09022015). Collection method: clinical testing. Allele origin: germline.
Comment: In summary, the available evidence is currently insufficient to determine the role of this variant in disease. Therefore, it has been classified as a Variant of Uncertain Significance. Nucleotide substitutions within the consensus splice site are a relatively common cause of aberrant splicing (PMID: 17576681, 9536098). Algorithms developed to predict the effect of sequence changes on RNA splicing suggest that this variant may disrupt the consensus splice site, but this prediction has not been confirmed by published transcriptional studies. This variant has not been reported in the literature in individuals with BMPR1A-related conditions. This variant is not present in population databases (ExAC no frequency). This sequence change falls in intron 7 of the BMPR1A gene. It does not directly change the encoded amino acid sequence of the BMPR1A protein. It affects a nucleotide within the consensus splice site of the intron.

Literature cited by the submitters: PubMed 17576681; PubMed 9536098.